The following is an entry in ClinVar:

NM_001374736.1(DST):c.12295G>T (p.Glu4099Ter)

Genes: DST (dystonin; minus strand), LOC129996656 (ATAC-STARR-seq lymphoblastoid active region 24702; plus strand). Cytogenetic location: 6p12.1.
Variant type: single nucleotide variant.
Coding change: c.12295G>T on transcript NM_001374736.1 (MANE Select); coding-DNA position 12295, G replaced by T.
Protein change: p.Glu4099Ter; replaces glutamic acid 4099 with a stop codon.
Molecular consequence: nonsense.
Genome position (GRCh38, 1-based): chr6:56,594,094, C>A on the plus strand (G>T on the coding strand, the complement: DST is on the minus strand). VCF-style: chr6-56594094-C-A. GRCh37 (hg19) VCF-style: chr6-56458892-C-A.
Other names: c.5938G>T, p.Glu1980Ter (NM_001144769.5); c.5524G>T, p.Glu1842Ter (NM_001144770.2); c.12295G>T, p.Glu4099Ter (NM_001374722.1); c.11662G>T, p.Glu3888Ter (NM_001374729.1); c.5404G>T, p.Glu1802Ter (NM_001374730.1, NM_001386100.1, NM_183380.4); c.12322G>T, p.Glu4108Ter (NM_001374734.1); c.4426G>T, p.Glu1476Ter (NM_015548.5); short protein forms E1802*, E3888*, E4108*, E1476*, E1842*, E1980*, E4099*.
Identifiers: ClinVar variation 1750603 (VCV001750603.2), dbSNP rs2536159097, ClinGen allele CA364526880.

ClinVar aggregate classification (germline): Pathogenic (1 of 4 stars; one submission).

Conditions:
Inborn genetic diseases. Identifiers: MedGen C0950123, MeSH D030342.

Submission:

Ambry Genetics
Classification: Pathogenic for Inborn genetic diseases. Last evaluated: 2022-03-31. Review status: criteria provided, single submitter. Criteria: Ambry Variant Classification Scheme 2023. Collection method: clinical testing. Allele origin: germline.
Comment: The p.E1980* pathogenic mutation (also known as c.5938G>T), located in coding exon 42 of the DST gene, results from a G to T substitution at nucleotide position 5938. This changes the amino acid from a glutamic acid to a stop codon within coding exon 42. This variant is considered to be rare based on population cohorts in the Genome Aggregation Database (gnomAD). This alteration is expected to result in loss of function by premature protein truncation or nonsense-mediated mRNA decay. As such, this alteration is interpreted as a disease-causing mutation.